The following is an entry in ClinVar:

ClinVar aggregate classification (germline): Uncertain significance. Review status: criteria provided, multiple submitters, no conflicts (2 of 4 stars). 2 submissions from 2 submitters: Uncertain significance (2). Last evaluated 2024-07-30.

Conditions:
Inborn genetic diseases. Identifiers: MedGen C0950123, MeSH D030342.

Allele frequency attached by ClinVar (database versions not stated): gnomAD exomes below 0.00001.
gnomAD v4.1: 8 of 1,612,138 alleles (0.0005%); highest among the groups gnomAD compares: Non-Finnish European, 0.00051%; no homozygotes.

Submissions (2):

Ambry Genetics
Classification: Uncertain significance for Inborn genetic diseases. Last evaluated: 2024-07-30. Review status: criteria provided, single submitter. Criteria: Ambry Variant Classification Scheme 2023. Collection method: clinical testing. Allele origin: germline.

GeneDx
Classification: Uncertain significance. Last evaluated: 2017-05-03. Review status: criteria provided, single submitter. Criteria: GeneDx Variant Classification (06012015). Collection method: clinical testing. Allele origin: germline. Affected: yes.
Comment: The G2694V variant in the COL12A1 gene has not been reported previously as a pathogenic variant, nor as a benign variant, to our knowledge. The G2694V variant is not observed in large population cohorts (Lek et al., 2016; 1000 Genomes Consortium et al., 2015; Exome Variant Server). The G2694V variant is a conservative amino acid substitution, which is not likely to impact secondary protein structure as these residues share similar properties. This substitution occurs at a position that is conserved in mammals, and in silico analysis predicts this variant is probably damaging to the protein structure/function. We interpret G2694V as a variant of uncertain significance.

NM_004370.6(COL12A1):c.8081G>T (p.Gly2694Val)

Gene: COL12A1 (collagen type XII alpha 1 chain; minus strand). Cytogenetic location: 6q13.
Variant type: single nucleotide variant.
Coding change: c.8081G>T on transcript NM_004370.6 (MANE Select); coding-DNA position 8081, G replaced by T.
Protein change: p.Gly2694Val; replaces glycine 2694 with valine.
Molecular consequence: missense variant.
Genome position (GRCh38, 1-based): chr6:75,109,037, C>A on the plus strand (G>T on the coding strand, the complement: COL12A1 is on the minus strand). VCF-style: chr6-75109037-C-A. GRCh37 (hg19) VCF-style: chr6-75818753-C-A.
Other names: c.4589G>T, p.Gly1530Val (NM_080645.3); short protein forms G2694V, G1530V.
Identifiers: ClinVar variation 429236 (VCV000429236.3), dbSNP rs1131691271, ClinGen allele CA364741489.